The following is an entry in ClinVar:

ClinVar aggregate classification (germline): Uncertain significance (1 of 4 stars; one submission).

Conditions:
Inborn genetic diseases. Identifiers: MedGen C0950123, MeSH D030342.

Submission:

Ambry Genetics
Classification: Uncertain significance for Inborn genetic diseases. Last evaluated: 2025-10-29. Review status: criteria provided, single submitter. Criteria: Ambry Variant Classification Scheme 2023. Collection method: clinical testing. Allele origin: germline.
Comment: The c.4750+17G>A intronic alteration consists of a G to A substitution 17 nucleotides after exon 63 (coding exon 63) in the COL11A2 gene. The Genome Aggregation Database (gnomAD) data for this variant is unreliable due to technical and/or biological issues; therefore, population frequency estimates were not considered. This nucleotide position is well conserved in available vertebrate species. In silico splice site analysis predicts that this alteration will result in the creation or strengthening of a novel splice donor site. Based on insufficient or conflicting evidence, the clinical significance of this alteration remains unclear.

NM_080680.3(COL11A2):c.4750+17G>A

Gene: COL11A2 (collagen type XI alpha 2 chain; minus strand). Cytogenetic location: 6p21.32.
Variant type: single nucleotide variant.
Coding change: c.4750+17G>A on transcript NM_080680.3 (MANE Select); 17 bases into the intron after coding-DNA position 4750, G replaced by A.
Molecular consequence: intron variant.
Genome position (GRCh38, 1-based): chr6:33,165,532, C>T on the plus strand (G>A on the coding strand, the complement: COL11A2 is on the minus strand). VCF-style: chr6-33165532-C-T. GRCh37 (hg19) VCF-style: chr6-33133309-C-T.
Other names: c.3724+17G>A (NM_001424111.1, NM_001424110.1); c.4429+17G>A (NM_080679.3); c.4492+17G>A (NM_080681.3); c.4570+17G>A (NM_001424108.1); c.3904+17G>A (NM_001424109.1); c.2704+17G>A (NM_001424112.1).
Identifiers: ClinVar variation 4616151 (VCV004616151.1).
Genomic context (GRCh38, chr6:33,165,532, plus strand): 5'-TCCCCCAGCATCCATTCTGCTTGTTCAGTACCCATGCTGTTGGGGAGATGTTTGTGCACC[C>T]TGAGGCTAGCACTGACCATCGGGAAGCTCTGGGTGGCACAGCTTCAGGTCCTGGCAGGTG-3'